The following is an entry in ClinVar:

NM_015425.6(POLR1A):c.3952C>T (p.Arg1318Trp)

Gene: POLR1A (RNA polymerase I subunit A; minus strand). Cytogenetic location: 2p11.2.
Variant type: single nucleotide variant.
Coding change: c.3952C>T on transcript NM_015425.6 (MANE Select); coding-DNA position 3952, C replaced by T.
Protein change: p.Arg1318Trp; replaces arginine 1318 with tryptophan.
Molecular consequence: missense variant.
Genome position (GRCh38, 1-based): chr2:86,038,782, G>A on the plus strand (C>T on the coding strand, the complement: POLR1A is on the minus strand). VCF-style: chr2-86038782-G-A. GRCh37 (hg19) VCF-style: chr2-86265905-G-A.
Other names: short protein forms R1318W.
Identifiers: ClinVar variation 2181157 (VCV002181157.4), dbSNP rs747569343, ClinGen allele CA1745635.
Genomic context (GRCh38, chr2:86,038,782, plus strand): 5'-TGTCCTCGGGTCTCAGGCACTTCTCCTGCTGGTAATATGCATGTGGCAGGAACTGAAACC[G>A]CAGCTGGTACACCTGGAATTTGTTCTGTTTTTCTTCCATACAGAAGGACTCCTGGACGTC-3'
Protein context (NP_056240.2, residues 1308-1328): KQNKFQVYQL[Arg1318Trp]FQFLPHAYYQ

ClinVar aggregate classification (germline): Uncertain significance (1 of 4 stars; one submission).

Allele frequency attached by ClinVar (database versions not stated): gnomAD 0.00001; TOPMed 0.00001; ExAC 0.00002; gnomAD exomes 0.00002.
gnomAD v4.1: 34 of 1,613,730 alleles (0.0021%); highest among the groups gnomAD compares: Non-Finnish European, 0.0027%; no homozygotes.

Submission:

Labcorp Genetics (formerly Invitae), Labcorp
Classification: Uncertain significance. Last evaluated: 2023-10-27. Review status: criteria provided, single submitter. Criteria: Invitae Variant Classification Sherloc (09022015). Collection method: clinical testing. Allele origin: germline.
Comment: This sequence change replaces arginine, which is basic and polar, with tryptophan, which is neutral and slightly polar, at codon 1318 of the POLR1A protein (p.Arg1318Trp). This variant is present in population databases (rs747569343, gnomAD 0.004%). This variant has not been reported in the literature in individuals affected with POLR1A-related conditions. ClinVar contains an entry for this variant (Variation ID: 2181157). Advanced modeling of protein sequence and biophysical properties (such as structural, functional, and spatial information, amino acid conservation, physicochemical variation, residue mobility, and thermodynamic stability) has been performed at Invitae for this missense variant, however the output from this modeling did not meet the statistical confidence thresholds required to predict the impact of this variant on POLR1A protein function. In summary, the available evidence is currently insufficient to determine the role of this variant in disease. Therefore, it has been classified as a Variant of Uncertain Significance.